The following is an entry in ClinVar:

NM_005120.3(MED12):c.3782G>A (p.Arg1261Gln)

Gene: MED12 (mediator complex subunit 12; plus strand). Cytogenetic location: Xq13.1.
Variant type: single nucleotide variant.
Coding change: c.3782G>A on transcript NM_005120.3 (MANE Select); coding-DNA position 3782, G replaced by A.
Protein change: p.Arg1261Gln; replaces arginine 1261 with glutamine.
Molecular consequence: missense variant.
Genome position (GRCh38, 1-based): chrX:71,129,770, G>A. VCF-style: chrX-71129770-G-A. GRCh37 (hg19) VCF-style: chrX-70349620-G-A.
Other names: c.3782G>A (NM_005120.2); short protein forms R1261Q.
Identifiers: ClinVar variation 1018652 (VCV001018652.10), dbSNP rs1388327076, ClinGen allele CA413522432.

ClinVar aggregate classification (germline): Conflicting classifications of pathogenicity. Review status: criteria provided, conflicting classifications (1 of 4 stars). 2 submissions from 2 submitters: Uncertain significance (1); Likely benign (1). Last evaluated 2026-07-23.

Conditions:
FG syndrome (FGS). Identifiers: MedGen C0220769, MONDO:0002010.

Allele frequency attached by ClinVar (database versions not stated): gnomAD exomes 0.00001 and 0.00003.
gnomAD v4.1: 12 of 1,209,638 alleles (0.00099%); highest among the groups gnomAD compares: Admixed American, 0.0065%; no homozygotes.

Submissions (2):

GeneDx
Classification: Uncertain significance. Last evaluated: 2026-07-23. Review status: criteria provided, single submitter. Criteria: GeneDx Variant Classification Process June 2021. Collection method: clinical testing. Allele origin: germline.
Comment: Not observed at significant frequency in large population cohorts (gnomAD); In silico analysis suggests that this missense variant does not alter protein structure/function; Has not been previously published as pathogenic or benign to our knowledge

Labcorp Genetics (formerly Invitae), Labcorp
Classification: Likely benign for FG syndrome. Last evaluated: 2023-04-26. Review status: criteria provided, single submitter. Criteria: Invitae Variant Classification Sherloc (09022015). Collection method: clinical testing. Allele origin: germline.